The following is an entry in ClinVar:

ClinVar aggregate classification (germline): Uncertain significance (1 of 4 stars; one submission).

Conditions:
Hereditary cancer-predisposing syndrome. Also called: Tumor predisposition; Neoplastic Syndromes, Hereditary; Hereditary Cancer Syndrome; Hereditary neoplastic syndrome. Identifiers: Orphanet 140162, MedGen C0027672, MeSH D009386, MONDO:0015356.

Submission:

Ambry Genetics
Classification: Uncertain significance for Hereditary cancer-predisposing syndrome. Last evaluated: 2026-02-13. Review status: criteria provided, single submitter. Criteria: Ambry Variant Classification Scheme 2023. Collection method: clinical testing. Allele origin: germline.
Comment: The c.2355+5G>C intronic variant results from a G to C substitution 5 nucleotides after coding exon 20 in the TSC2 gene. This nucleotide position is highly conserved in available vertebrate species. In silico splice site analysis predicts that this alteration may weaken the native splice donor site and may result in the creation or strengthening of a novel splice donor site. Since supporting evidence is limited at this time, the clinical significance of this alteration remains unclear.

NM_000548.5(TSC2):c.2355+5G>C

Gene: TSC2 (TSC complex subunit 2; plus strand). Cytogenetic location: 16p13.3.
Variant type: single nucleotide variant.
Coding change: c.2355+5G>C on transcript NM_000548.5 (MANE Select); 5 bases into the intron after coding-DNA position 2355, G replaced by C.
Molecular consequence: intron variant.
Genome position (GRCh38, 1-based): chr16:2,072,988, G>C. VCF-style: chr16-2072988-G-C. GRCh37 (hg19) VCF-style: chr16-2122989-G-C.
Other names: c.2355+5G>C (NM_001114382.3, NM_021055.3, NM_001370405.1 and 3 more transcripts); c.2244+5G>C (NM_001318827.2); c.1755+5G>C (NM_001318831.2); c.2208+5G>C (NM_001318829.2); c.2388+5G>C (NM_001318832.2).
Identifiers: ClinVar variation 821067 (VCV000821067.5), dbSNP rs756995937, ClinGen allele CA915946280.